The following is an entry in ClinVar:

ClinVar aggregate classification (germline): Benign (1 of 4 stars; one submission).

Conditions:
Joubert syndrome 17 (JBTS17). Identifiers: Orphanet 475, MedGen C3553264, MONDO:0013824, OMIM 614615.

Allele frequency attached by ClinVar (database versions not stated): gnomAD exomes 0.00120; TOPMed 0.01341; 1000 Genomes Project 0.01438; 1000 Genomes Project 30x 0.01608.
gnomAD v4.1: 2,881 of 985,682 alleles (0.29%); highest among the groups gnomAD compares: African/African-American, 4.4%; 59 homozygotes.

Submission:

Illumina Laboratory Services, Illumina
Classification: Benign for Joubert syndrome 17. Last evaluated: 2018-01-12. Review status: criteria provided, single submitter. Criteria: ICSL Variant Classification Criteria 13 December 2019. Collection method: clinical testing. Allele origin: germline.
Comment: This variant was observed in the ICSL laboratory as part of a predisposition screen in an ostensibly healthy population. It had not been previously curated by ICSL or reported in the Human Gene Mutation Database (HGMD: prior to June 1st, 2018), and was therefore a candidate for classification through an automated scoring system. Utilizing variant allele frequency, disease prevalence and penetrance estimates, and inheritance mode, an automated score was calculated to assess if this variant is too frequent to cause the disease. Based on the score and internal cut-off values, a variant classified as benign is not then subjected to further curation. The score for this variant resulted in a classification of benign for this disease.

NM_001384732.1(CPLANE1):c.*441A>C

Gene: CPLANE1 (ciliogenesis and planar polarity effector complex subunit 1; minus strand). Cytogenetic location: 5p13.2.
Variant type: single nucleotide variant.
Coding change: c.*441A>C on transcript NM_001384732.1 (MANE Select); 441 bases downstream of the stop codon, A replaced by C.
Molecular consequence: 3 prime UTR variant.
Genome position (GRCh38, 1-based): chr5:37,107,161, T>G on the plus strand (A>C on the coding strand, the complement: CPLANE1 is on the minus strand). VCF-style: chr5-37107161-T-G. GRCh37 (hg19) VCF-style: chr5-37107263-T-G.
Other names: c.*441A>C (NM_023073.4).
Identifiers: ClinVar variation 353409 (VCV000353409.5), dbSNP rs7712558, ClinGen allele CA10624453.